The following is an entry in ClinVar:

ClinVar aggregate classification (germline): Uncertain significance (1 of 4 stars; one submission).

Conditions:
Congenital contractural arachnodactyly (CCA). Also called: BEALS SYNDROME; Arthrogryposis, distal, type 9; Beals-Hecht syndrome. Identifiers: Orphanet 115, MedGen C0220668, MONDO:0007363, OMIM 121050.

Submission:

Labcorp Genetics (formerly Invitae), Labcorp
Classification: Uncertain significance for Congenital contractural arachnodactyly. Last evaluated: 2024-07-15. Review status: criteria provided, single submitter. Criteria: Invitae Variant Classification Sherloc (09022015). Collection method: clinical testing. Allele origin: germline.
Comment: This sequence change replaces valine, which is neutral and non-polar, with leucine, which is neutral and non-polar, at codon 2405 of the FBN2 protein (p.Val2405Leu). This variant is not present in population databases (gnomAD no frequency). This variant has not been reported in the literature in individuals affected with FBN2-related conditions. Advanced modeling of protein sequence and biophysical properties (such as structural, functional, and spatial information, amino acid conservation, physicochemical variation, residue mobility, and thermodynamic stability) has been performed at Invitae for this missense variant, however the output from this modeling did not meet the statistical confidence thresholds required to predict the impact of this variant on FBN2 protein function. In summary, the available evidence is currently insufficient to determine the role of this variant in disease. Therefore, it has been classified as a Variant of Uncertain Significance.

NM_001999.4(FBN2):c.7213G>C (p.Val2405Leu)

Gene: FBN2 (fibrillin 2; minus strand). Cytogenetic location: 5q23.3.
Variant type: single nucleotide variant.
Coding change: c.7213G>C on transcript NM_001999.4 (MANE Select); coding-DNA position 7213, G replaced by C.
Protein change: p.Val2405Leu; replaces valine 2405 with leucine.
Molecular consequence: missense variant.
Genome position (GRCh38, 1-based): chr5:128,278,767, C>G on the plus strand (G>C on the coding strand, the complement: FBN2 is on the minus strand). VCF-style: chr5-128278767-C-G. GRCh37 (hg19) VCF-style: chr5-127614459-C-G.
Other names: short protein forms V2405L.
Identifiers: ClinVar variation 3640075 (VCV003640075.2).
Genomic context (GRCh38, chr5:128,278,767, plus strand): 5'-AAAGCTCGCACTGGTGGCCCCAGCCTCGCCCACCATCACAGCAGCATTCTGACTTAGTGA[C>G]GAGATTGCGACTACTGGATGCCATTTGACATATTGTCTGCAGTACCTCTGCAAAGCAGAG-3'
Protein context (NP_001990.2, residues 2395-2415): CQMASSSRNL[Val2405Leu]TKSECCCDGG